The following is an entry in ClinVar:

ClinVar aggregate classification (germline): Uncertain significance. Review status: criteria provided, multiple submitters, no conflicts (2 of 4 stars). 7 submissions from 7 submitters: Uncertain significance (6). 1 of the submissions does not count toward it. Last evaluated 2025-02-12.

Conditions:
Hereditary cancer-predisposing syndrome. Also called: Tumor predisposition; Hereditary Cancer Syndrome; Neoplastic Syndromes, Hereditary; Hereditary neoplastic syndrome. Identifiers: Orphanet 140162, MedGen C0027672, MeSH D009386, MONDO:0015356.
Familial cancer of breast. Also called: hereditary breast carcinoma; Hereditary breast cancer; BREAST CANCER, FAMILIAL. Identifiers: Orphanet 227535, MedGen C0346153, MONDO:0016419, OMIM 114480. Disease mechanism: loss of function.
Ataxia-telangiectasia syndrome (AT). Also called: Cerebello-oculocutaneous telangiectasia; Immunodeficiency with ataxia telangiectasia; Ataxia-telangiectasia; Ataxia-telangiectasia, complementation group D; AT, COMPLEMENTATION GROUP C; ATAXIA-TELANGIECTASIA, COMPLEMENTATION GROUP A. Identifiers: Orphanet 100, MedGen C0004135, MONDO:0008840, OMIM 208900.

Allele frequency attached by ClinVar (database versions not stated): gnomAD exomes below 0.00001; gnomAD 0.00001; TOPMed 0.00001.
gnomAD v4.1: 3 of 1,613,794 alleles (0.00019%); highest among the groups gnomAD compares: Middle Eastern, 0.016%; no homozygotes.

Submissions (7):

Ambry Genetics
Classification: Uncertain significance for Hereditary cancer-predisposing syndrome. Last evaluated: 2025-02-12. Review status: criteria provided, single submitter. Criteria: Ambry Variant Classification Scheme 2023. Collection method: clinical testing. Allele origin: germline.
Comment: The p.H1352R variant (also known as c.4055A>G), located in coding exon 26 of the ATM gene, results from an A to G substitution at nucleotide position 4055. The histidine at codon 1352 is replaced by arginine, an amino acid with highly similar properties. This amino acid position is well conserved in available vertebrate species. In addition, the in silico prediction for this alteration is inconclusive. Based on the available evidence, the clinical significance of this variant remains unclear.

Labcorp Genetics (formerly Invitae), Labcorp
Classification: Uncertain significance for Ataxia-telangiectasia syndrome. Last evaluated: 2024-09-09. Review status: criteria provided, single submitter. Criteria: Invitae Variant Classification Sherloc (09022015). Collection method: clinical testing. Allele origin: germline.
Comment: This sequence change replaces histidine, which is basic and polar, with arginine, which is basic and polar, at codon 1352 of the ATM protein (p.His1352Arg). This variant is not present in population databases (gnomAD no frequency). This variant has not been reported in the literature in individuals affected with ATM-related conditions. ClinVar contains an entry for this variant (Variation ID: 479028). An algorithm developed to predict the effect of missense changes on protein structure and function (PolyPhen-2) suggests that this variant is likely to be disruptive. In summary, the available evidence is currently insufficient to determine the role of this variant in disease. Therefore, it has been classified as a Variant of Uncertain Significance.

Baylor Genetics
Classification: Uncertain significance for Familial cancer of breast. Last evaluated: 2023-10-19. Review status: criteria provided, single submitter. Criteria: ACMG Guidelines, 2015. Collection method: clinical testing. Allele origin: unknown.

Department of Pathology and Laboratory Medicine, Sinai Health System
Classification: Uncertain significance for Familial cancer of breast. Last evaluated: 2023-06-27. Review status: criteria provided, single submitter. Criteria: ACMG Guidelines, 2015. Collection method: clinical testing. Allele origin: germline. Affected: yes.

GeneDx
Classification: Uncertain significance. Last evaluated: 2023-02-04. Review status: criteria provided, single submitter. Criteria: GeneDx Variant Classification Process June 2021. Collection method: clinical testing. Allele origin: germline. Affected: yes.
Comment: Not observed at significant frequency in large population cohorts (gnomAD); In silico analysis supports that this missense variant has a deleterious effect on protein structure/function; Has not been previously published as pathogenic or benign to our knowledge

Blueprint Genetics
Classification: Uncertain significance. Last evaluated: 2018-03-27. Review status: criteria provided, single submitter. Criteria: ACMG Guidelines, 2015. Collection method: clinical testing. Allele origin: germline.

Natera, Inc.
Classification: Uncertain significance for Ataxia-telangiectasia. Last evaluated: 2020-07-13. Review status: no assertion criteria provided. Collection method: clinical testing. Allele origin: germline. Not counted in ClinVar's aggregate classification.

NM_000051.4(ATM):c.4055A>G (p.His1352Arg)

Gene: ATM (ATM serine/threonine kinase; plus strand). Cytogenetic location: 11q22.3.
Variant type: single nucleotide variant.
Coding change: c.4055A>G on transcript NM_000051.4 (MANE Select); coding-DNA position 4055, A replaced by G.
Protein change: p.His1352Arg; replaces histidine 1352 with arginine.
Molecular consequence: missense variant.
Genome position (GRCh38, 1-based): chr11:108,287,661, A>G. VCF-style: chr11-108287661-A-G. GRCh37 (hg19) VCF-style: chr11-108158388-A-G.
Other names: c.4055A>G, p.His1352Arg (NM_001351834.2); short protein forms H1352R.
Identifiers: ClinVar variation 479028 (VCV000479028.22), dbSNP rs925124248, ClinGen allele CA228371475.
Genomic context (GRCh38, chr11:108,287,661, plus strand): 5'-TTGATCACTTATTCATTAGTAATTTACCAGAGATTGTGGTGGAGTTATTGATGACGTTAC[A>G]TGAGCCAGCAAATTCTAGTGCCAGTCAGAGCACTGACCTCTGTGACTTTTCAGGGTATGT-3'
Protein context (NP_000042.3, residues 1342-1362): EIVVELLMTL[His1352Arg]EPANSSASQS